The following is an entry in ClinVar:

ClinVar aggregate classification (germline): Uncertain significance. Review status: criteria provided, multiple submitters, no conflicts (2 of 4 stars). 2 submissions from 2 submitters: Uncertain significance (2). Last evaluated 2025-01-23.

Conditions:
Familial thoracic aortic aneurysm and aortic dissection (TAAD). Also called: Thoracic aortic aneurysms and dissections. Identifiers: Orphanet 91387, MedGen C4707243, MONDO:0019625.
Aortic aneurysm, familial thoracic 7 (AAT7). Also called: AORTIC DISSECTION, FAMILIAL, WITH OR WITHOUT AORTIC ANEURYSM. Identifiers: MedGen C3151077, MONDO:0013418, OMIM 613780.

Allele frequency attached by ClinVar (database versions not stated): gnomAD exomes below 0.00001.
gnomAD v4.1: 18 of 1,613,402 alleles (0.0011%); highest among the groups gnomAD compares: Non-Finnish European, 0.0014%; no homozygotes.

Submissions (2):

Labcorp Genetics (formerly Invitae), Labcorp
Classification: Uncertain significance for Aortic aneurysm, familial thoracic 7. Last evaluated: 2025-01-23. Review status: criteria provided, single submitter. Criteria: Invitae Variant Classification Sherloc (09022015). Collection method: clinical testing. Allele origin: germline.
Comment: This sequence change replaces arginine, which is basic and polar, with glycine, which is neutral and non-polar, at codon 870 of the MYLK protein (p.Arg870Gly). This variant is present in population databases (no rsID available, gnomAD 0.004%). This variant has not been reported in the literature in individuals affected with MYLK-related conditions. ClinVar contains an entry for this variant (Variation ID: 1060398). Invitae Evidence Modeling of protein sequence and biophysical properties (such as structural, functional, and spatial information, amino acid conservation, physicochemical variation, residue mobility, and thermodynamic stability) indicates that this missense variant is not expected to disrupt MYLK protein function with a negative predictive value of 80%. In summary, the available evidence is currently insufficient to determine the role of this variant in disease. Therefore, it has been classified as a Variant of Uncertain Significance.

Ambry Genetics
Classification: Uncertain significance for Familial thoracic aortic aneurysm and aortic dissection. Last evaluated: 2021-08-02. Review status: criteria provided, single submitter. Criteria: Ambry Variant Classification Scheme 2023. Collection method: clinical testing. Allele origin: germline.

NM_053025.4(MYLK):c.2608C>G (p.Arg870Gly)

Gene: MYLK (myosin light chain kinase; minus strand). Cytogenetic location: 3q21.1.
Variant type: single nucleotide variant.
Coding change: c.2608C>G on transcript NM_053025.4 (MANE Select); coding-DNA position 2608, C replaced by G.
Protein change: p.Arg870Gly; replaces arginine 870 with glycine.
Molecular consequence: missense variant.
Genome position (GRCh38, 1-based): chr3:123,700,860, G>C on the plus strand (C>G on the coding strand, the complement: MYLK is on the minus strand). VCF-style: chr3-123700860-G-C. GRCh37 (hg19) VCF-style: chr3-123419707-G-C.
Other names: c.2080C>G, p.Arg694Gly (NM_001321309.2); c.2401C>G, p.Arg801Gly (NM_053026.4, NM_053028.4); c.2608C>G, p.Arg870Gly (NM_053027.4); c.2608C>G (NM_053025.3); short protein forms R694G, R801G, R870G.
Identifiers: ClinVar variation 1060398 (VCV001060398.10), dbSNP rs865903260, ClinGen allele CA82925482.